The following is an entry in ClinVar:

NM_000410.4(HFE):c.381A>C (p.Gln127His)

Gene: HFE (homeostatic iron regulator; plus strand). Cytogenetic location: 6p22.2.
Variant type: single nucleotide variant.
Coding change: c.381A>C on transcript NM_000410.4 (MANE Select); coding-DNA position 381, A replaced by C.
Protein change: p.Gln127His; replaces glutamine 127 with histidine.
Molecular consequence: missense variant. On other transcripts: intron variant (4).
Genome position (GRCh38, 1-based): chr6:26,091,354, A>C. VCF-style: chr6-26091354-A-C. GRCh37 (hg19) VCF-style: chr6-26091582-A-C.
Other names: c.381A>C, p.Gln127His (NM_001300749.3, NM_001384164.1, NM_001406751.1 and 1 more transcripts); c.117A>C, p.Gln39His (NM_001406752.1, NM_139007.3, NM_139008.3); c.312A>C, p.Gln104His (NM_139009.3); c.340+250A>C (NM_139004.3, NM_139003.3); c.77-1331A>C (NM_139010.3); c.77-1765A>C (NM_139011.3); short protein forms Q127H, Q104H, Q39H.
Identifiers: ClinVar variation 17 (VCV000000017.4), dbSNP rs28934595, ClinGen allele CA280945.

ClinVar aggregate classification (germline): Uncertain significance. Review status: criteria provided, single submitter (1 of 4 stars). 2 submissions from 2 submitters: Uncertain significance (1). 1 of the submissions does not count toward it. Last evaluated 2024-08-08.

Conditions:
Hemochromatosis type 1 (HFE1). Also called: HFE-Associated Hereditary Hemochromatosis; HFE-Related Hemochromatosis. Identifiers: Orphanet 465508, MedGen C3469186, MONDO:0021001, OMIM 235200. Disease mechanism: loss of function.

gnomAD v4.1: 6 of 1,614,164 alleles (0.00037%); highest among the groups gnomAD compares: Non-Finnish European, 0.00034%; no homozygotes.

Submissions (2):

Women's Health and Genetics/Laboratory Corporation of America, LabCorp
Classification: Uncertain significance. Last evaluated: 2024-08-08. Review status: criteria provided, single submitter. Criteria: LabCorp Variant Classification Summary - May 2015. Collection method: clinical testing. Allele origin: germline.
Comment: Variant summary: HFE c.381A>C (p.Gln127His) results in a non-conservative amino acid change in the encoded protein sequence. Three of five in-silico tools predict a benign effect of the variant on protein function. The variant was absent in 251422 control chromosomes. The available data on variant occurrences in the general population are insufficient to allow any conclusion about variant significance. c.381A>C has been reported in the literature in a compound heterozygous individual affected with Hemochromatosis Type 1 (de Villiers_1999). These data do not allow any conclusion about variant significance. To our knowledge, no experimental evidence demonstrating an impact on protein function has been reported. The following publication have been ascertained in the context of this evaluation (PMID: 10401000). ClinVar contains an entry for this variant (Variation ID: 17). Based on the evidence outlined above, the variant was classified as uncertain significance.

OMIM
Classification: Pathogenic for HEMOCHROMATOSIS, TYPE 1. Last evaluated: 1999-08-01. Review status: no assertion criteria provided. Collection method: literature only. Allele origin: germline. Not counted in ClinVar's aggregate classification.

Literature cited by the submitters: PubMed 10401000 (cited by Women's Health and Genetics/Laboratory Corporation of America, LabCorp and OMIM).